The following is an entry in ClinVar:

NM_020708.5(SLC12A5):c.1621A>C (p.Thr541Pro)

Gene: SLC12A5 (solute carrier family 12 member 5; plus strand). Cytogenetic location: 20q13.12.
Variant type: single nucleotide variant.
Coding change: c.1621A>C on transcript NM_020708.5 (MANE Select); coding-DNA position 1621, A replaced by C.
Protein change: p.Thr541Pro; replaces threonine 541 with proline.
Molecular consequence: missense variant.
Genome position (GRCh38, 1-based): chr20:46,045,929, A>C. VCF-style: chr20-46045929-A-C. GRCh37 (hg19) VCF-style: chr20-44674568-A-C.
Other names: c.1690A>C, p.Thr564Pro (NM_001134771.2); short protein forms T564P, T541P.
Identifiers: ClinVar variation 2095504 (VCV002095504.4), dbSNP rs2515643844, ClinGen allele CA409196124.

ClinVar aggregate classification (germline): Uncertain significance (1 of 4 stars; one submission).

Conditions:
Developmental and epileptic encephalopathy, 34 (DEE34). Also called: SLC12A5-Related Epilepsy of Infancy with Migrating Focal Seizures; Early infantile epileptic encephalopathy 34. Identifiers: Orphanet 293181, MedGen C4225257, MONDO:0014718, OMIM 616645.

Submission:

Labcorp Genetics (formerly Invitae), Labcorp
Classification: Uncertain significance for Developmental and epileptic encephalopathy, 34. Last evaluated: 2023-12-22. Review status: criteria provided, single submitter. Criteria: Invitae Variant Classification Sherloc (09022015). Collection method: clinical testing. Allele origin: germline.
Comment: This sequence change replaces threonine, which is neutral and polar, with proline, which is neutral and non-polar, at codon 541 of the SLC12A5 protein (p.Thr541Pro). This variant is not present in population databases (gnomAD no frequency). This variant has not been reported in the literature in individuals affected with SLC12A5-related conditions. ClinVar contains an entry for this variant (Variation ID: 2095504). Advanced modeling of protein sequence and biophysical properties (such as structural, functional, and spatial information, amino acid conservation, physicochemical variation, residue mobility, and thermodynamic stability) performed at Invitae indicates that this missense variant is expected to disrupt SLC12A5 protein function with a positive predictive value of 80%. In summary, the available evidence is currently insufficient to determine the role of this variant in disease. Therefore, it has been classified as a Variant of Uncertain Significance.